The following is an entry in ClinVar:

NM_001267550.2(TTN):c.74823_74832del (p.Ile24941_Gly24942insTer)

Genes: TTN (titin; minus strand), TTN-AS1 (TTN antisense RNA 1; plus strand). Cytogenetic location: 2q31.2.
Variant type: Deletion.
Coding change: c.74823_74832del on transcript NM_001267550.2 (MANE Select); coding-DNA positions 74823 to 74832, 10 bases deleted (TGGCTATCAT; older notation c.74823_74832delTGGCTATCAT).
Protein change: p.Ile24941_Gly24942insTer.
Molecular consequence: frameshift variant. On other transcripts: non-coding transcript variant (1).
Genome position (GRCh38, 1-based): chr2:178,571,300-178,571,309, ATGATAGCCA deleted on the plus strand (TGGCTATCAT on the coding strand, the reverse complement: TTN is on the minus strand); deleting any 10 consecutive bases within chr2:178,571,300-178,571,313 gives the same sequence; the c. name uses the placement nearest the transcript's 3' end. VCF-style (leftmost placement, unchanged base first): chr2-178571299-GATGATAGCCA-G. GRCh37 (hg19) VCF-style: chr2-179436026-GATGATAGCCA-G.
Other names: c.69900_69909del, p.Ile23300_Gly23301insTer (NM_001256850.1); c.47628_47637del, p.Ile15876_Gly15877insTer (NM_003319.4); c.67119_67128del, p.Ile22373_Gly22374insTer (NM_133378.4); c.48003_48012del, p.Ile16001_Gly16002insTer (NM_133432.3); c.48204_48213del, p.Ile16068_Gly16069insTer (NM_133437.4).
Identifiers: ClinVar variation 4785564 (VCV004785564.1).

ClinVar aggregate classification (germline): Likely pathogenic (1 of 4 stars; one submission).

Conditions:
Autosomal recessive limb-girdle muscular dystrophy type 2J (LGMDR10). Also called: Limb-girdle muscular dystrophy, type 2J; MUSCULAR DYSTROPHY, LIMB-GIRDLE, AUTOSOMAL RECESSIVE 10. Identifiers: Orphanet 140922, MedGen C1837342, MONDO:0012127, OMIM 608807.
Dilated cardiomyopathy 1G (CMD1G). Identifiers: Orphanet 154, MedGen C1858763, MONDO:0011400, OMIM 604145.

Submission:

Labcorp Genetics (formerly Invitae), Labcorp
Classification: Likely pathogenic for Dilated cardiomyopathy 1G; Autosomal recessive limb-girdle muscular dystrophy type 2J. Last evaluated: 2025-10-17. Review status: criteria provided, single submitter. Criteria: Invitae Variant Classification Sherloc (09022015). Collection method: clinical testing. Allele origin: germline.
Comment: This sequence change creates a premature translational stop signal (p.Gly24942*) in the TTN gene. While this is not anticipated to result in nonsense mediated decay, it is expected to create a truncated TTN protein. This variant is not present in population databases (gnomAD no frequency). This variant has not been reported in the literature in individuals affected with TTN-related conditions. This variant is located in the A band of TTN (PMID: 25589632). Truncating variants in this region are significantly overrepresented in patients affected with dilated cardiomyopathy (PMID: 25589632). Truncating variants in this region have also been reported in individuals affected with autosomal recessive centronuclear myopathy (PMID: 23975875). In summary, the currently available evidence indicates that the variant is pathogenic, but additional data are needed to prove that conclusively. Therefore, this variant has been classified as Likely Pathogenic.

Literature cited by the submitters: PubMed 25589632; PubMed 23975875.